The following is an entry in ClinVar:

ClinVar aggregate classification (germline): Uncertain significance (1 of 4 stars; one submission).

Submission:

Labcorp Genetics (formerly Invitae), Labcorp
Classification: Uncertain significance. Last evaluated: 2021-11-01. Review status: criteria provided, single submitter. Criteria: Invitae Variant Classification Sherloc (09022015). Collection method: clinical testing. Allele origin: germline.
Comment: In summary, the available evidence is currently insufficient to determine the role of this variant in disease. Therefore, it has been classified as a Variant of Uncertain Significance. Algorithms developed to predict the effect of missense changes on protein structure and function (SIFT, PolyPhen-2, Align-GVGD) all suggest that this variant is likely to be disruptive. This variant has not been reported in the literature in individuals affected with ADGRV1-related conditions. This variant is not present in population databases (gnomAD no frequency). This sequence change replaces arginine, which is basic and polar, with glycine, which is neutral and non-polar, at codon 2376 of the ADGRV1 protein (p.Arg2376Gly).

NM_032119.4(ADGRV1):c.7126A>G (p.Arg2376Gly)

Gene: ADGRV1 (adhesion G protein-coupled receptor V1; plus strand). Cytogenetic location: 5q14.3.
Variant type: single nucleotide variant.
Coding change: c.7126A>G on transcript NM_032119.4 (MANE Select); coding-DNA position 7126, A replaced by G.
Protein change: p.Arg2376Gly; replaces arginine 2376 with glycine.
Molecular consequence: missense variant. On other transcripts: non-coding transcript variant (1).
Genome position (GRCh38, 1-based): chr5:90,692,779, A>G. VCF-style: chr5-90692779-A-G. GRCh37 (hg19) VCF-style: chr5-89988596-A-G.
Other names: short protein forms R2376G.
Identifiers: ClinVar variation 1413188 (VCV001413188.6), dbSNP rs2149632869, ClinGen allele CA360372095.